The following is an entry in ClinVar:

ClinVar aggregate classification (germline): Uncertain significance. Review status: criteria provided, multiple submitters, no conflicts (2 of 4 stars). 5 submissions from 5 submitters: Uncertain significance (5). Last evaluated 2025-08-14.

Conditions:
Inborn genetic diseases. Identifiers: MedGen C0950123, MeSH D030342.
RYR1-related disorder. Also called: RYR1-related condition; RYR1-related disorders. Identifiers: MedGen CN239331.
Malignant hyperthermia, susceptibility to, 1 (MHS1). Also called: RYR1-Related Malignant Hyperthermia Susceptibility; Anesthesia related hyperthermia; Malignant hyperpyrexia; Fulminating hyperpyrexia; Pharmacogenic myopathy; Malignant hyperthermia suceptibility 1. Identifiers: Orphanet 423, MedGen C2930980, MONDO:0007783, OMIM 145600.

Allele frequency attached by ClinVar (database versions not stated): gnomAD exomes below 0.00001 and 0.00001; TOPMed below 0.00001; ExAC 0.00001.
gnomAD v4.1: 9 of 1,613,790 alleles (0.00056%); highest among the groups gnomAD compares: Middle Eastern, 0.033%; no homozygotes.

Submissions (5):

Ambry Genetics
Classification: Uncertain significance for Inborn genetic diseases. Last evaluated: 2025-08-14. Review status: criteria provided, single submitter. Criteria: Ambry Variant Classification Scheme 2023. Collection method: clinical testing. Allele origin: germline.

Color Diagnostics, LLC DBA Color Health
Classification: Uncertain significance for Malignant hyperthermia, susceptibility to, 1. Last evaluated: 2025-05-30. Review status: criteria provided, single submitter. Criteria: ACMG Guidelines, 2015. Collection method: clinical testing. Allele origin: germline.
Comment: This missense variant replaces tyrosine with cysteine at codon 3131 of the RYR1 protein. Computational prediction suggests that this variant may have deleterious impact on protein structure and function. To our knowledge, functional studies have not been reported for this variant. This variant has not been reported in individuals affected with RYR1-related disorders in the literature. This variant has been identified in 1/250928 chromosomes in the general population by the Genome Aggregation Database (gnomAD). The available evidence is insufficient to determine the role of this variant in disease conclusively. Therefore, this variant is classified as a Variant of Uncertain Significance.

Labcorp Genetics (formerly Invitae), Labcorp
Classification: Uncertain significance for RYR1-related disorder. Last evaluated: 2024-08-28. Review status: criteria provided, single submitter. Criteria: Invitae Variant Classification Sherloc (09022015). Collection method: clinical testing. Allele origin: germline.
Comment: This sequence change replaces tyrosine, which is neutral and polar, with cysteine, which is neutral and slightly polar, at codon 3131 of the RYR1 protein (p.Tyr3131Cys). This variant is present in population databases (rs776504924, gnomAD 0.003%). This variant has not been reported in the literature in individuals affected with RYR1-related conditions. ClinVar contains an entry for this variant (Variation ID: 649981). Invitae Evidence Modeling of protein sequence and biophysical properties (such as structural, functional, and spatial information, amino acid conservation, physicochemical variation, residue mobility, and thermodynamic stability) indicates that this missense variant is expected to disrupt RYR1 protein function with a positive predictive value of 95%. In summary, the available evidence is currently insufficient to determine the role of this variant in disease. Therefore, it has been classified as a Variant of Uncertain Significance.

All of Us Research Program, National Institutes of Health
Classification: Uncertain significance for Malignant hyperthermia, susceptibility to, 1. Last evaluated: 2024-05-09. Review status: criteria provided, single submitter. Criteria: ACMG Guidelines, 2015. Collection method: clinical testing. Allele origin: germline. Inheritance: Autosomal dominant inheritance. Observed: 2 variant alleles, 2 heterozygotes.
Comment: This study involves interpretation of variants in research participants for the purpose of population health screening. Participant phenotype was not available at the time of variant classification. Additional details can be found in publication PMID: 35346344, PMCID: PMC8962531

Revvity Omics, Revvity
Classification: Uncertain significance. Last evaluated: 2021-02-11. Review status: criteria provided, single submitter. Criteria: ACMG Guidelines, 2015. Collection method: clinical testing. Allele origin: germline.

NM_000540.3(RYR1):c.9392A>G (p.Tyr3131Cys)

Gene: RYR1 (ryanodine receptor 1; plus strand). Cytogenetic location: 19q13.2.
Variant type: single nucleotide variant.
Coding change: c.9392A>G on transcript NM_000540.3 (MANE Select); coding-DNA position 9392, A replaced by G.
Protein change: p.Tyr3131Cys; replaces tyrosine 3131 with cysteine.
Molecular consequence: missense variant.
Genome position (GRCh38, 1-based): chr19:38,512,403, A>G. VCF-style: chr19-38512403-A-G. GRCh37 (hg19) VCF-style: chr19-39003043-A-G.
Other names: c.9392A>G, p.Tyr3131Cys (NM_001042723.2); short protein forms Y3131C.
Identifiers: ClinVar variation 649981 (VCV000649981.9), dbSNP rs776504924, ClinGen allele CA073556.